The following is an entry in ClinVar:

ClinVar aggregate classification (germline): Uncertain significance. Review status: criteria provided, multiple submitters, no conflicts (2 of 4 stars). 6 submissions from 6 submitters: Uncertain significance (6). Last evaluated 2026-01-12.

Conditions:
Cardiovascular phenotype. Identifiers: MedGen CN230736.
Ehlers-Danlos syndrome, classic type, 1 (EDSCL1). Also called: Ehlers-Danlos Syndrome, Classic Type, COL5A1-Related; EDS I; Ehlers-Danlos syndrome, type 1; EHLERS-DANLOS SYNDROME, GRAVIS TYPE; EHLERS-DANLOS SYNDROME, SEVERE CLASSIC TYPE. Identifiers: MedGen C0268335, MONDO:0019567, OMIM 130000.
Osteogenesis imperfecta type I (OI1). Also called: Lobstein disease; Classic Non-deforming Osteogenesis Imperfecta with Blue Sclerae; OI, TYPE I; OSTEOGENESIS IMPERFECTA TARDA; OSTEOGENESIS IMPERFECTA WITH BLUE SCLERAE; Osteogenesis imperfecta type 1. Identifiers: Orphanet 216796, Orphanet 666, MedGen C0023931, MONDO:0008146, OMIM 166200. Disease mechanism: loss of function.

Allele frequency attached by ClinVar (database versions not stated): gnomAD exomes 0.00006 and 0.00011; gnomAD 0.00004; TOPMed 0.00008; ExAC 0.00014.
gnomAD v4.1: 97 of 1,613,840 alleles (0.006%); highest among the groups gnomAD compares: East Asian, 0.042%; no homozygotes.

Submissions (6):

Labcorp Genetics (formerly Invitae), Labcorp
Classification: Uncertain significance for Osteogenesis imperfecta type I; Ehlers-Danlos syndrome, classic type, 1. Last evaluated: 2026-01-12. Review status: criteria provided, single submitter. Criteria: Invitae Variant Classification Sherloc (09022015). Collection method: clinical testing. Allele origin: germline.
Comment: This sequence change replaces glycine, which is neutral and non-polar, with serine, which is neutral and polar, at codon 1350 of the COL1A2 protein (p.Gly1350Ser). This variant is present in population databases (rs193922170, gnomAD 0.1%). This missense change has been observed in individual(s) with osteogenesis imperfecta (PMID: 25742658, 29225276, 34098919). ClinVar contains an entry for this variant (Variation ID: 35951). Invitae Evidence Modeling of protein sequence and biophysical properties (such as structural, functional, and spatial information, amino acid conservation, physicochemical variation, residue mobility, and thermodynamic stability) has been performed for this missense variant. However, the output from this modeling did not meet the statistical confidence thresholds required to predict the impact of this variant on COL1A2 protein function. In summary, the available evidence is currently insufficient to determine the role of this variant in disease. Therefore, it has been classified as a Variant of Uncertain Significance.

Mayo Clinic Laboratories, Mayo Clinic
Classification: Uncertain significance. Last evaluated: 2025-10-21. Review status: criteria provided, single submitter. Criteria: ACMG Guidelines, 2015. Collection method: clinical testing. Allele origin: germline. Observed: 1 variant allele.
Comment: BS1, PP3_moderate, PM1_supporting

Ambry Genetics
Classification: Uncertain significance for Cardiovascular phenotype. Last evaluated: 2025-10-14. Review status: criteria provided, single submitter. Criteria: Ambry Variant Classification Scheme 2023. Collection method: clinical testing. Allele origin: germline.
Comment: The p.G1350S variant (also known as c.4048G>A), located in coding exon 52 of the COL1A2 gene, results from a G to A substitution at nucleotide position 4048. The glycine at codon 1350 is replaced by serine, an amino acid with similar properties. This variant was reported in individual(s) with features consistent with osteogenesis imperfecta (Wang Y et al. PLoS One, 2015 Mar;10:e0119553; Wang S et al. BMC Musculoskelet Disord, 2021 Jun;22:525; Chen P et al. Front Genet, 2022 Jan;13:816078). This variant was also reported in a subject with features of mucopolysaccharidosis (Hamatani Y et al. Intern Med, 2018 Aug;57:2209-2215). This amino acid position is highly conserved in available vertebrate species. In addition, this alteration is predicted to be deleterious by in silico analysis. Based on the available evidence, the clinical significance of this variant remains unclear.

Women's Health and Genetics/Laboratory Corporation of America, LabCorp
Classification: Uncertain significance. Last evaluated: 2025-06-16. Review status: criteria provided, single submitter. Criteria: LabCorp Variant Classification Summary - May 2015. Collection method: clinical testing. Allele origin: germline.
Comment: Variant summary: COL1A2 c.4048G>A (p.Gly1350Ser) results in a non-conservative amino acid change in the encoded protein sequence. Algorithms developed to predict the effect of missense changes on protein structure and function all suggest that this variant is likely to be disruptive. The variant allele was found at a frequency of 0.00011 in 251260 control chromosomes. c.4048G>A has been observed in individual(s) affected with Osteogenesis Imperfecta (Hamatani_2018, Wang_2015). These data do not allow any conclusion about variant significance. To our knowledge, no experimental evidence demonstrating an impact on protein function has been reported. The following publications have been ascertained in the context of this evaluation (PMID: 29225276, 25742658). ClinVar contains an entry for this variant (Variation ID: 35951). Based on the evidence outlined above, the variant was classified as uncertain significance.

GeneDx
Classification: Uncertain significance. Last evaluated: 2023-03-27. Review status: criteria provided, single submitter. Criteria: GeneDx Variant Classification Process June 2021. Collection method: clinical testing. Allele origin: germline. Affected: yes.
Comment: Reported in individuals with typical features of osteogenesis imperfecta (OI) and atypical features of OI (Wang et al., 2015; Hamatani et al., 2018; Wang et al., 2021); Not located in the triple helical region, where the majority of pathogenic missense variants occur (HGMD); In silico analysis supports that this missense variant has a deleterious effect on protein structure/function; This variant is associated with the following publications: (PMID: 29225276, 25742658, 34098919)

Revvity Omics, Revvity
Classification: Uncertain significance. Last evaluated: 2021-08-18. Review status: criteria provided, single submitter. Criteria: ACMG Guidelines, 2015. Collection method: clinical testing. Allele origin: germline.

Literature cited by the submitters: PubMed 25742658 (cited by 3 submitters); PubMed 29225276 (cited by 4 submitters); PubMed 34098919 (cited by 3 submitters); PubMed 18375391 (cited by Mayo Clinic Laboratories, Mayo Clinic); PubMed 29669177 (cited by Mayo Clinic Laboratories, Mayo Clinic); PubMed 35154279 (cited by Ambry Genetics).

NM_000089.4(COL1A2):c.4048G>A (p.Gly1350Ser)

Gene: COL1A2 (collagen type I alpha 2 chain; plus strand). Cytogenetic location: 7q21.3.
Variant type: single nucleotide variant.
Coding change: c.4048G>A on transcript NM_000089.4 (MANE Select); coding-DNA position 4048, G replaced by A.
Protein change: p.Gly1350Ser; replaces glycine 1350 with serine.
Molecular consequence: missense variant.
Genome position (GRCh38, 1-based): chr7:94,430,340, G>A. VCF-style: chr7-94430340-G-A. GRCh37 (hg19) VCF-style: chr7-94059652-G-A.
Other names: short protein forms G1350S.
Identifiers: ClinVar variation 35951 (VCV000035951.14), dbSNP rs193922170, ClinGen allele CA260376.
Genomic context (GRCh38, chr7:94,430,340, plus strand): 5'-GAATACAAAACAAATAAGCCATCACGCCTGCCCTTCCTTGATATTGCACCTTTGGACATC[G>A]GTGGTGCTGACCAGGAATTCTTTGTGGACATTGGCCCAGTCTGTTTCAAATAAATGAACT-3'
Protein context (NP_000080.2, residues 1340-1360): PFLDIAPLDI[Gly1350Ser]GADQEFFVDI